The following is an entry in ClinVar:

ClinVar aggregate classification (germline): Uncertain significance. Review status: criteria provided, multiple submitters, no conflicts (2 of 4 stars). 2 submissions from 2 submitters: Uncertain significance (2). Last evaluated 2025-12-22.

Conditions:
Inborn genetic diseases. Identifiers: MedGen C0950123, MeSH D030342.

gnomAD v4.1: 2 of 1,614,052 alleles (0.00012%); highest among the groups gnomAD compares: Middle Eastern, 0.016%; no homozygotes.

Submissions (2):

Ambry Genetics
Classification: Uncertain significance for Inborn genetic diseases. Last evaluated: 2025-12-22. Review status: criteria provided, single submitter. Criteria: Ambry Variant Classification Scheme 2023. Collection method: clinical testing. Allele origin: germline.

GeneDx
Classification: Uncertain significance. Last evaluated: 2025-02-03. Review status: criteria provided, single submitter. Criteria: GeneDx Variant Classification Process June 2021. Collection method: clinical testing. Allele origin: germline. Affected: yes.
Comment: Not observed at significant frequency in large population cohorts (gnomAD); In silico analysis supports that this missense variant has a deleterious effect on protein structure/function; Has not been previously published as pathogenic or benign to our knowledge

NM_206933.4(USH2A):c.14555C>T (p.Pro4852Leu)

Gene: USH2A (usherin; minus strand). Cytogenetic location: 1q41.
Variant type: single nucleotide variant.
Coding change: c.14555C>T on transcript NM_206933.4 (MANE Select); coding-DNA position 14555, C replaced by T.
Protein change: p.Pro4852Leu; replaces proline 4852 with leucine.
Molecular consequence: missense variant.
Genome position (GRCh38, 1-based): chr1:215,648,555, G>A on the plus strand (C>T on the coding strand, the complement: USH2A is on the minus strand). VCF-style: chr1-215648555-G-A. GRCh37 (hg19) VCF-style: chr1-215821897-G-A.
Other names: short protein forms P4852L.
Identifiers: ClinVar variation 4072655 (VCV004072655.2).